The following is an entry in ClinVar:

NM_024334.3(TMEM43):c.917_918delinsCT (p.Met306Thr)

Gene: TMEM43 (transmembrane protein 43; plus strand). Cytogenetic location: 3p25.1.
Variant type: Indel.
Coding change: c.917_918delinsCT on transcript NM_024334.3 (MANE Select); coding-DNA positions 917 to 918, TG replaced by CT.
Protein change: p.Met306Thr; replaces methionine 306 with threonine.
Molecular consequence: missense variant.
Genome position (GRCh38, 1-based): chr3:14,139,214-14,139,215, TG replaced by CT. VCF-style: chr3-14139214-TG-CT. GRCh37 (hg19) VCF-style: chr3-14180714-TG-CT.
Other names: c.917_918delTGinsCT (NM_024334.2); short protein forms M306T.
Identifiers: ClinVar variation 466425 (VCV000466425.14), dbSNP rs1553603453, ClinGen allele CA658657277.

ClinVar aggregate classification (germline): Uncertain significance. Review status: criteria provided, multiple submitters, no conflicts (2 of 4 stars). 3 submissions from 3 submitters: Uncertain significance (3). Last evaluated 2025-11-13.

Conditions:
Arrhythmogenic right ventricular dysplasia 5. Also called: Arrhythmogenic Right Ventricular Dysplasia/Cardiomyopathy 5; ARRHYTHMOGENIC RIGHT VENTRICULAR DYSPLASIA, FAMILIAL, 5. Identifiers: MedGen C1858379, MONDO:0011459, OMIM 604400.
Cardiovascular phenotype. Identifiers: MedGen CN230736.
Cardiomyopathy (CMYO). Also called: Cardiomyopathies. Identifiers: Orphanet 167848, MedGen C0878544, MONDO:0004994, HP:0001638. Inheritance: Various modes of inheritance.

Submissions (3):

Labcorp Genetics (formerly Invitae), Labcorp
Classification: Uncertain significance for Arrhythmogenic right ventricular dysplasia 5. Last evaluated: 2025-11-13. Review status: criteria provided, single submitter. Criteria: Invitae Variant Classification Sherloc (09022015). Collection method: clinical testing. Allele origin: germline.
Comment: This sequence change replaces methionine, which is neutral and non-polar, with threonine, which is neutral and polar, at codon 306 of the TMEM43 protein (p.Met306Thr). Information on the frequency of this variant in the gnomAD database is not available, as this variant may be reported differently in the database. This variant has not been reported in the literature in individuals affected with TMEM43-related conditions. ClinVar contains an entry for this variant (Variation ID: 466425). An algorithm developed to predict the effect of missense changes on protein structure and function (PolyPhen-2) suggests that this variant is likely to be tolerated. In summary, the available evidence is currently insufficient to determine the role of this variant in disease. Therefore, it has been classified as a Variant of Uncertain Significance.

Color Diagnostics, LLC DBA Color Health
Classification: Uncertain significance for Cardiomyopathy. Last evaluated: 2024-03-06. Review status: criteria provided, single submitter. Criteria: ACMG Guidelines, 2015. Collection method: clinical testing. Allele origin: germline.
Comment: This missense variant replaces methionine with threonine at codon 306 of the TMEM43 protein. Computational prediction suggests that this variant may not impact protein structure and function (internally defined REVEL score threshold <= 0.5, PMID: 27666373). To our knowledge, functional studies have not been reported for this variant. This variant has not been reported in individuals affected with cardiovascular disorders in the literature. This variant has not been identified in the general population by the Genome Aggregation Database (gnomAD). The available evidence is insufficient to determine the role of this variant in disease conclusively. Therefore, this variant is classified as a Variant of Uncertain Significance.

Ambry Genetics
Classification: Uncertain significance for Cardiovascular phenotype. Last evaluated: 2022-01-25. Review status: criteria provided, single submitter. Criteria: Ambry Variant Classification Scheme 2023. Collection method: clinical testing. Allele origin: germline.
Comment: The c.917_918delTGinsCT variant (also known as p.M306T), located in coding exon 11 of the TMEM43 gene, results from an in-frame deletion of TG and insertion of CT at nucleotide positions 917 to 918. This results in the substitution of the methionine residue for a threonine residue at codon 306, an amino acid with similar properties. This amino acid position is not well conserved in available vertebrate species. In addition, this alteration is predicted to be neutral by in silico analysis (Choi Y et al. PLoS ONE. 2012; 7(10):e46688). Since supporting evidence is limited at this time, the clinical significance of this alteration remains unclear.